The following is an entry in ClinVar:

NM_001134407.3(GRIN2A):c.3344A>T (p.Asp1115Val)

Gene: GRIN2A (glutamate ionotropic receptor NMDA type subunit 2A; minus strand). Cytogenetic location: 16p13.2.
Variant type: single nucleotide variant.
Coding change: c.3344A>T on transcript NM_001134407.3 (MANE Select); coding-DNA position 3344, A replaced by T.
Protein change: p.Asp1115Val; replaces aspartic acid 1115 with valine.
Molecular consequence: missense variant.
Genome position (GRCh38, 1-based): chr16:9,764,200, T>A on the plus strand (A>T on the coding strand, the complement: GRIN2A is on the minus strand). VCF-style: chr16-9764200-T-A. GRCh37 (hg19) VCF-style: chr16-9858057-T-A.
Other names: p.D1115V:GAC>GTC; c.3344A>T, p.Asp1115Val (NM_000833.5, NM_001134408.2); short protein forms D1115V.
Identifiers: ClinVar variation 205671 (VCV000205671.2), dbSNP rs796052557, ClinGen allele CA314974.

ClinVar aggregate classification (germline): Uncertain significance (1 of 4 stars; one submission).

Submission:

GeneDx
Classification: Uncertain significance. Last evaluated: 2014-03-10. Review status: criteria provided, single submitter. Criteria: GeneDx Variant Classification (06012015). Collection method: clinical testing. Allele origin: germline. Affected: yes.
Comment: p.Asp1115Val (D1115V) GAC>GTC: c.3344 A>T in exon 14 of the GRIN2A gene (NM_000833.3). The D1115V variant in the GRIN2A gene has not been published as a mutation, nor has it been reported as a benign polymorphism to our knowledge. It was not observed in approximately 6,500 individuals of European and African American ancestry in the NHLBI Exome Sequencing Project, indicating it is not a common benign variant in these populations. The D1115V variant is a non-conservative amino acid substitution, which is likely to impact secondary protein structure as these residues differ in polarity, charge, size and/or other properties. This substitution occurs at a position that is conserved in mammals but is not conserved in more distantly related species. Other missense mutations in this region of the protein have been reported in association with epilepsy, supporting the functional importance of this region of the protein. In silico analysis predicts this variant is probably damaging to the protein structure/function. The variant is found in EPILEPSY panel(s).